The following is an entry in ClinVar:

NM_206933.4(USH2A):c.4043T>C (p.Val1348Ala)

Genes: USH2A (usherin; minus strand), USH2A-AS1 (USH2A antisense RNA 1; plus strand). Cytogenetic location: 1q41.
Variant type: single nucleotide variant.
Coding change: c.4043T>C on transcript NM_206933.4 (MANE Select); coding-DNA position 4043, T replaced by C.
Protein change: p.Val1348Ala; replaces valine 1348 with alanine.
Molecular consequence: missense variant.
Genome position (GRCh38, 1-based): chr1:216,198,353, A>G on the plus strand (T>C on the coding strand, the complement: USH2A is on the minus strand). VCF-style: chr1-216198353-A-G. GRCh37 (hg19) VCF-style: chr1-216371695-A-G.
Other names: c.4043T>C, p.Val1348Ala (NM_007123.6); short protein forms V1348A.
Identifiers: ClinVar variation 1432983 (VCV001432983.3), dbSNP rs375465641, ClinGen allele CA1395846.

ClinVar aggregate classification (germline): Uncertain significance (1 of 4 stars; one submission).

Allele frequency attached by ClinVar (database versions not stated): gnomAD 0.00001; gnomAD exomes 0.00001 and 0.00003; TOPMed 0.00001; ExAC 0.00002; ESP Exome Variant Server 0.00008.
gnomAD v4.1: 42 of 1,613,898 alleles (0.0026%); highest among the groups gnomAD compares: Non-Finnish European, 0.0035%; no homozygotes.

Submission:

Labcorp Genetics (formerly Invitae), Labcorp
Classification: Uncertain significance. Last evaluated: 2022-07-06. Review status: criteria provided, single submitter. Criteria: Invitae Variant Classification Sherloc (09022015). Collection method: clinical testing. Allele origin: germline.
Comment: This sequence change replaces valine, which is neutral and non-polar, with alanine, which is neutral and non-polar, at codon 1348 of the USH2A protein (p.Val1348Ala). This variant is present in population databases (rs375465641, gnomAD 0.002%). This variant has not been reported in the literature in individuals affected with USH2A-related conditions. ClinVar contains an entry for this variant (Variation ID: 1432983). Algorithms developed to predict the effect of missense changes on protein structure and function are either unavailable or do not agree on the potential impact of this missense change (SIFT: "Deleterious"; PolyPhen-2: "Benign"; Align-GVGD: "Class C0"). In summary, the available evidence is currently insufficient to determine the role of this variant in disease. Therefore, it has been classified as a Variant of Uncertain Significance.